The following is an entry in ClinVar:

ClinVar aggregate classification (germline): Pathogenic. Review status: criteria provided, multiple submitters, no conflicts (2 of 4 stars). 4 submissions from 4 submitters: Pathogenic (4). Last evaluated 2024-11-08.

Conditions:
Episodic ataxia type 2 (EA2). Also called: ACETAZOLAMIDE-RESPONSIVE HEREDITARY PAROXYSMAL CEREBELLAR ATAXIA; ATAXIA, EPISODIC, WITH NYSTAGMUS; ATAXIA, FAMILIAL PAROXYSMAL; CEREBELLAR ATAXIA, PAROXYSMAL, ACETAZOLAMIDE-RESPONSIVE; CEREBELLOPATHY, HEREDITARY PAROXYSMAL; EPISODIC ATAXIA, NYSTAGMUS-ASSOCIATED. Identifiers: Orphanet 97, MedGen C1720416, MONDO:0007163, OMIM 108500.
CACNA1A-related disorder. Also called: CACNA1A-related condition.

Submissions (4):

GeneDx
Classification: Pathogenic. Last evaluated: 2024-11-08. Review status: criteria provided, single submitter. Criteria: GeneDx Variant Classification Process June 2021. Collection method: clinical testing. Allele origin: germline. Affected: yes.
Comment: Identified in a patient with benign tonic upward gaze, episodic ataxia, and febrile seizures, but it is unknown whether this individual was screened for variants in other genes associated with ataxia and seizures (PMID: 29926469); Frameshift variant predicted to result in protein truncation or nonsense mediated decay in a gene for which loss of function is a known mechanism of disease; This variant is associated with the following publications: (PMID: 29915382, 29926469)

PreventionGenetics, part of Exact Sciences
Classification: Pathogenic for CACNA1A-related condition. Last evaluated: 2023-08-04. Review status: criteria provided, single submitter. Criteria: ACMG Guidelines, 2015. Collection method: clinical testing. Allele origin: germline.
Comment: The CACNA1A c.3411delC variant is predicted to result in a frameshift and premature protein termination (p.Lys1138Argfs*48). This variant has been reported in individuals with episodic ataxia (reported as c.3414delC in Humbertclaude et al. 2018. PubMed ID: 29926469; Sun et al. 2019. PubMed ID: 29915382). This variant is reported in 0.012% of alleles in individuals of European (Finnish) descent in gnomAD. Frameshift variants in CACNA1A are expected to be pathogenic. Given the evidence, we interpret this variant as pathogenic.

Blueprint Genetics
Classification: Pathogenic for CACNA1A-related disorders. Last evaluated: 2022-05-05. Review status: criteria provided, single submitter. Criteria: ACMG Guidelines, 2015. Collection method: clinical testing. Allele origin: de novo. Affected: yes. Observed: 2 variant alleles.

Genetic Services Laboratory, University of Chicago
Classification: Pathogenic for Episodic ataxia, type 2. Last evaluated: 2015-12-01. Review status: criteria provided, single submitter. Criteria: ACMG Guidelines, 2015. Collection method: clinical testing. Allele origin: germline. Affected: yes.

NM_001127222.2(CACNA1A):c.3411del (p.Lys1138fs)

Gene: CACNA1A (calcium voltage-gated channel subunit alpha1 A; minus strand). Cytogenetic location: 19p13.13.
Variant type: Deletion.
Coding change: c.3411del on transcript NM_001127222.2 (MANE Select); coding-DNA position 3411, one base deleted (C; older notation c.3411delC).
Protein change: p.Lys1138fs; shifts the reading frame from lysine 1138.
Molecular consequence: frameshift variant.
Genome position (GRCh38, 1-based): chr19:13,286,645, G deleted on the plus strand (C on the coding strand, the reverse complement: CACNA1A is on the minus strand); the first of 7 consecutive G bases (chr19:13,286,645-13,286,651); deleting any one gives the same sequence. VCF-style (leftmost placement, unchanged base first): chr19-13286644-TG-T. GRCh37 (hg19) VCF-style: chr19-13397458-TG-T.
Other names: c.3423del, p.Lys1142fs (NM_000068.4, NM_023035.3); c.3414del, p.Lys1139fs (NM_001127221.2, NM_001174080.2); c.3414delC (NM_001127221.1); c.3411delC (NM_001127222.1); short protein forms K1139fs, K1142fs, K1138fs.
Identifiers: ClinVar variation 434556 (VCV000434556.10), dbSNP rs746790849, ClinGen allele CA505660710.
Genomic context (GRCh38, chr19:13,286,644, plus strand): 5'-TAGCTGAATTGGTCTGGGTGCCGCTGGGGTTGGTGACGATAAGGCTATTCTCGGGGGTCT[TG>T]GGGGGGCCGGGATTGGATGGGTTCCCCGGGTTGTTGGGCGTCCGGCGGCTGGCGGCGTTC-3'